The following is an entry in ClinVar:

ClinVar aggregate classification (germline): Uncertain significance. Review status: criteria provided, multiple submitters, no conflicts (2 of 4 stars). 3 submissions from 3 submitters: Uncertain significance (3). Last evaluated 2025-09-25.

Conditions:
Hereditary cancer-predisposing syndrome. Also called: Neoplastic Syndromes, Hereditary; Tumor predisposition; Hereditary Cancer Syndrome; Hereditary neoplastic syndrome. Identifiers: Orphanet 140162, MedGen C0027672, MeSH D009386, MONDO:0015356.
Familial cancer of breast. Also called: BREAST CANCER, FAMILIAL; Hereditary breast cancer; hereditary breast carcinoma. Identifiers: Orphanet 227535, MedGen C0346153, MONDO:0016419, OMIM 114480. Disease mechanism: loss of function.

gnomAD v4.1: 1 of 1,597,894 alleles (0.000063%); highest among the groups gnomAD compares: African/African-American, 0.0014%; no homozygotes.

Submissions (3):

Ambry Genetics
Classification: Uncertain significance for Hereditary cancer-predisposing syndrome. Last evaluated: 2025-09-25. Review status: criteria provided, single submitter. Criteria: Ambry Variant Classification Scheme 2023. Collection method: clinical testing. Allele origin: germline.
Comment: The p.T81I variant (also known as c.242C>T), located in coding exon 3 of the BARD1 gene, results from a C to T substitution at nucleotide position 242. The threonine at codon 81 is replaced by isoleucine, an amino acid with similar properties. This amino acid position is not well conserved in available vertebrate species. In addition, this alteration is predicted to be tolerated by in silico analysis. Since supporting evidence is limited at this time, the clinical significance of this alteration remains unclear.

Labcorp Genetics (formerly Invitae), Labcorp
Classification: Uncertain significance for Familial cancer of breast. Last evaluated: 2024-09-22. Review status: criteria provided, single submitter. Criteria: Invitae Variant Classification Sherloc (09022015). Collection method: clinical testing. Allele origin: germline.
Comment: This sequence change replaces threonine, which is neutral and polar, with isoleucine, which is neutral and non-polar, at codon 81 of the BARD1 protein (p.Thr81Ile). This variant is not present in population databases (gnomAD no frequency). This variant has not been reported in the literature in individuals affected with BARD1-related conditions. ClinVar contains an entry for this variant (Variation ID: 482808). An algorithm developed to predict the effect of missense changes on protein structure and function (PolyPhen-2) suggests that this variant is likely to be tolerated. In summary, the available evidence is currently insufficient to determine the role of this variant in disease. Therefore, it has been classified as a Variant of Uncertain Significance.

Color Diagnostics, LLC DBA Color Health
Classification: Uncertain significance for Hereditary cancer-predisposing syndrome. Last evaluated: 2019-06-24. Review status: criteria provided, single submitter. Criteria: ACMG Guidelines, 2015. Collection method: clinical testing. Allele origin: germline.

NM_000465.4(BARD1):c.242C>T (p.Thr81Ile)

Gene: BARD1 (BRCA1 associated RING domain 1; minus strand). Cytogenetic location: 2q35.
Variant type: single nucleotide variant.
Coding change: c.242C>T on transcript NM_000465.4 (MANE Select); coding-DNA position 242, C replaced by T.
Protein change: p.Thr81Ile; replaces threonine 81 with isoleucine.
Molecular consequence: missense variant. On other transcripts: non-coding transcript variant (1), intron variant (2).
Genome position (GRCh38, 1-based): chr2:214,792,419, G>A on the plus strand (C>T on the coding strand, the complement: BARD1 is on the minus strand). VCF-style: chr2-214792419-G-A. GRCh37 (hg19) VCF-style: chr2-215657143-G-A.
Other names: c.185C>T, p.Thr62Ile (NM_001282543.2); c.242C>T, p.Thr81Ile (NM_001282549.2); c.158+16993C>T (NM_001282548.2); c.215+4642C>T (NM_001282545.2); short protein forms T81I, T62I.
Identifiers: ClinVar variation 482808 (VCV000482808.11), dbSNP rs1553624824, ClinGen allele CA350461247.